The following is an entry in ClinVar:

ClinVar aggregate classification (germline): Uncertain significance (1 of 4 stars; one submission).

Conditions:
Neuroblastoma, susceptibility to, 3. Also called: ALK-Related Neuroblastic Tumor Susceptibility. Identifiers: Orphanet 635, MedGen C2751681, MONDO:0013083, OMIM 613014.

Submission:

Labcorp Genetics (formerly Invitae), Labcorp
Classification: Uncertain significance for Neuroblastoma, susceptibility to, 3. Last evaluated: 2024-11-04. Review status: criteria provided, single submitter. Criteria: Invitae Variant Classification Sherloc (09022015). Collection method: clinical testing. Allele origin: germline.
Comment: This sequence change replaces threonine, which is neutral and polar, with asparagine, which is neutral and polar, at codon 1446 of the ALK protein (p.Thr1446Asn). This variant is not present in population databases (gnomAD no frequency). This variant has not been reported in the literature in individuals affected with ALK-related conditions. ClinVar contains an entry for this variant (Variation ID: 2707228). An algorithm developed to predict the effect of missense changes on protein structure and function (PolyPhen-2) suggests that this variant is likely to be tolerated. In summary, the available evidence is currently insufficient to determine the role of this variant in disease. Therefore, it has been classified as a Variant of Uncertain Significance.

NM_004304.5(ALK):c.4337C>A (p.Thr1446Asn)

Gene: ALK (ALK receptor tyrosine kinase; minus strand). Cytogenetic location: 2p23.2.
Variant type: single nucleotide variant.
Coding change: c.4337C>A on transcript NM_004304.5 (MANE Select); coding-DNA position 4337, C replaced by A.
Protein change: p.Thr1446Asn; replaces threonine 1446 with asparagine.
Molecular consequence: missense variant.
Genome position (GRCh38, 1-based): chr2:29,193,750, G>T on the plus strand (C>A on the coding strand, the complement: ALK is on the minus strand). VCF-style: chr2-29193750-G-T. GRCh37 (hg19) VCF-style: chr2-29416616-G-T.
Other names: c.1133C>A, p.Thr378Asn (NM_001353765.2); short protein forms T378N, T1446N.
Identifiers: ClinVar variation 2707228 (VCV002707228.3), dbSNP rs1668948533, ClinGen allele CA346462595.